The following is an entry in ClinVar:

ClinVar aggregate classification (germline): Uncertain significance (1 of 4 stars; one submission).

Conditions:
Emery-Dreifuss muscular dystrophy 4, autosomal dominant (EDMD4). Also called: EMERY-DREIFUSS MUSCULAR DYSTROPHY 4 WITH VARIABLE FEATURES. Identifiers: Orphanet 261, MedGen C2751807, MONDO:0013071, OMIM 612998.
Autosomal recessive ataxia, Beauce type. Also called: SYNE1-Related Autosomal Recessive Cerebellar Ataxia; Spinocerebellar ataxia, autosomal recessive 8; ATAXIA, RECESSIVE, OF BEAUCE; SYNE1 Deficiency. Identifiers: Orphanet 88644, MedGen C1853116, MONDO:0012549, OMIM 610743.

Allele frequency attached by ClinVar (database versions not stated): TOPMed below 0.00001.

Submission:

Labcorp Genetics (formerly Invitae), Labcorp
Classification: Uncertain significance for Emery-Dreifuss muscular dystrophy 4, autosomal dominant; Autosomal recessive ataxia, Beauce type. Last evaluated: 2022-11-15. Review status: criteria provided, single submitter. Criteria: Invitae Variant Classification Sherloc (09022015). Collection method: clinical testing. Allele origin: germline.
Comment: In summary, the available evidence is currently insufficient to determine the role of this variant in disease. Therefore, it has been classified as a Variant of Uncertain Significance. Algorithms developed to predict the effect of missense changes on protein structure and function are either unavailable or do not agree on the potential impact of this missense change (SIFT: "Deleterious"; PolyPhen-2: "Probably Damaging"; Align-GVGD: "Class C0"). ClinVar contains an entry for this variant (Variation ID: 471040). This variant has not been reported in the literature in individuals affected with SYNE1-related conditions. This variant is not present in population databases (gnomAD no frequency). This sequence change replaces alanine, which is neutral and non-polar, with threonine, which is neutral and polar, at codon 8627 of the SYNE1 protein (p.Ala8627Thr).

NM_182961.4(SYNE1):c.26023G>A (p.Ala8675Thr)

Gene: SYNE1 (spectrin repeat containing nuclear envelope protein 1; minus strand). Cytogenetic location: 6q25.2.
Variant type: single nucleotide variant.
Coding change: c.26023G>A on transcript NM_182961.4 (MANE Select); coding-DNA position 26023, G replaced by A.
Protein change: p.Ala8675Thr; replaces alanine 8675 with threonine.
Molecular consequence: missense variant.
Genome position (GRCh38, 1-based): chr6:152,132,193, C>T on the plus strand (G>A on the coding strand, the complement: SYNE1 is on the minus strand). VCF-style: chr6-152132193-C-T. GRCh37 (hg19) VCF-style: chr6-152453328-C-T.
Other names: c.2629G>A, p.Ala877Thr (NM_001347701.2); c.2557G>A, p.Ala853Thr (NM_001347702.2); c.25879G>A, p.Ala8627Thr (NM_033071.5); short protein forms A8675T, A8627T, A877T, A853T.
Identifiers: ClinVar variation 471040 (VCV000471040.8), dbSNP rs1554376325, ClinGen allele CA366076096.